The following is an entry in ClinVar:

NM_001369.3(DNAH5):c.3970C>T (p.Gln1324Ter)

Genes: DNAH5 (dynein axonemal heavy chain 5; minus strand), DNAH5-AS1 (DNAH5 antisense RNA 1; plus strand). Cytogenetic location: 5p15.2.
Variant type: single nucleotide variant.
Coding change: c.3970C>T on transcript NM_001369.3 (MANE Select); coding-DNA position 3970, C replaced by T.
Protein change: p.Gln1324Ter; replaces glutamine 1324 with a stop codon.
Molecular consequence: nonsense.
Genome position (GRCh38, 1-based): chr5:13,867,857, G>A on the plus strand (C>T on the coding strand, the complement: DNAH5 is on the minus strand). VCF-style: chr5-13867857-G-A. GRCh37 (hg19) VCF-style: chr5-13867966-G-A.
Other names: short protein forms Q1324*.
Identifiers: ClinVar variation 4814889 (VCV004814889.1).

ClinVar aggregate classification (germline): Likely pathogenic (1 of 4 stars; one submission).

Conditions:
Primary ciliary dyskinesia. Also called: Ciliary dyskinesia. Identifiers: Orphanet 244, MedGen C0008780, MONDO:0016575, HP:0012265.

gnomAD v4.1: 1 of 1,614,088 alleles (0.000062%); highest among the groups gnomAD compares: Non-Finnish European, 0.000085%; no homozygotes.

Submission:

Natera, Inc.
Classification: Likely pathogenic for Primary ciliary dyskinesia. Last evaluated: 2025-08-07. Review status: criteria provided, single submitter. Criteria: Natera Variant Classification Schema (03/2026). Collection method: clinical testing. Allele origin: germline.
Comment: The c.3970C>T variant in DNAH5 is a nonsense variant predicted to introduce a stop codon at amino acid 1324. This variant is expected to result in nonsense mediated decay, truncation, or a dysfunctional protein product. This variant is rare in the general population with a frequency below the threshold expected for the associated phenotype(s). Given the available evidence, this variant is classified as Likely Pathogenic.